The following is an entry in ClinVar:

ClinVar aggregate classification (germline): Uncertain significance. Review status: criteria provided, multiple submitters, no conflicts (2 of 4 stars). 2 submissions from 2 submitters: Uncertain significance (2). Last evaluated 2025-12-08.

Conditions:
Hereditary cancer-predisposing syndrome. Also called: Hereditary Cancer Syndrome; Hereditary neoplastic syndrome; Neoplastic Syndromes, Hereditary; Tumor predisposition. Identifiers: Orphanet 140162, MedGen C0027672, MeSH D009386, MONDO:0015356.
Tuberous sclerosis 2 (TSC2). Identifiers: Orphanet 805, MedGen C1860707, MONDO:0013199, OMIM 613254.

Submissions (2):

Labcorp Genetics (formerly Invitae), Labcorp
Classification: Uncertain significance for Tuberous sclerosis 2. Last evaluated: 2025-12-08. Review status: criteria provided, single submitter. Criteria: Invitae Variant Classification Sherloc (09022015). Collection method: clinical testing. Allele origin: germline.
Comment: This sequence change replaces proline, which is neutral and non-polar, with arginine, which is basic and polar, at codon 1218 of the TSC2 protein (p.Pro1218Arg). This variant is not present in population databases (gnomAD no frequency). This variant has not been reported in the literature in individuals affected with TSC2-related conditions. ClinVar contains an entry for this variant (Variation ID: 3462602). Invitae Evidence Modeling of protein sequence and biophysical properties (such as structural, functional, and spatial information, amino acid conservation, physicochemical variation, residue mobility, and thermodynamic stability) indicates that this missense variant is not expected to disrupt TSC2 protein function with a negative predictive value of 95%. In summary, the available evidence is currently insufficient to determine the role of this variant in disease. Therefore, it has been classified as a Variant of Uncertain Significance.

Ambry Genetics
Classification: Uncertain significance for Hereditary cancer-predisposing syndrome. Last evaluated: 2024-08-17. Review status: criteria provided, single submitter. Criteria: Ambry Variant Classification Scheme 2023. Collection method: clinical testing. Allele origin: germline.
Comment: The p.P1218R variant (also known as c.3653C>G), located in coding exon 30 of the TSC2 gene, results from a C to G substitution at nucleotide position 3653. The proline at codon 1218 is replaced by arginine, an amino acid with dissimilar properties. This amino acid position is conserved. In addition, this alteration is predicted to be deleterious by in silico analysis. Based on the available evidence, the clinical significance of this variant remains unclear.

NM_000548.5(TSC2):c.3653C>G (p.Pro1218Arg)

Gene: TSC2 (TSC complex subunit 2; plus strand). Cytogenetic location: 16p13.3.
Variant type: single nucleotide variant.
Coding change: c.3653C>G on transcript NM_000548.5 (MANE Select); coding-DNA position 3653, C replaced by G.
Protein change: p.Pro1218Arg; replaces proline 1218 with arginine.
Molecular consequence: missense variant. On other transcripts: non-coding transcript variant (5).
Genome position (GRCh38, 1-based): chr16:2,081,637, C>G. VCF-style: chr16-2081637-C-G. GRCh37 (hg19) VCF-style: chr16-2131638-C-G.
Other names: c.3521C>G, p.Pro1174Arg (NM_001077183.3, NM_001370404.1, NM_001406665.1); c.3653C>G, p.Pro1218Arg (NM_001114382.3); c.3413C>G, p.Pro1138Arg (NM_001318827.2); c.3377C>G, p.Pro1126Arg (NM_001318829.2); c.2921C>G, p.Pro974Arg (NM_001318831.2, NM_001406687.1, NM_001406688.1); c.3554C>G, p.Pro1185Arg (NM_001318832.2); c.3524C>G, p.Pro1175Arg (NM_001363528.2, NM_001370405.1, NM_021055.3); c.3650C>G, p.Pro1217Arg (NM_001406663.1, NM_001406664.1); and 18 more; short protein forms P1018R, P1138R, P1174R, P1185R, P1218R, P974R, P975R, P1017R.
Identifiers: ClinVar variation 3462602 (VCV003462602.2).